The following is an entry in ClinVar:

NM_001370259.2(MEN1):c.1049+9C>G

Gene: MEN1 (menin 1; minus strand). Cytogenetic location: 11q13.1.
Variant type: single nucleotide variant.
Coding change: c.1049+9C>G on transcript NM_001370259.2 (MANE Select); 9 bases into the intron after coding-DNA position 1049, C replaced by G.
Molecular consequence: intron variant.
Genome position (GRCh38, 1-based): chr11:64,806,223, G>C on the plus strand (C>G on the coding strand, the complement: MEN1 is on the minus strand). VCF-style: chr11-64806223-G-C. GRCh37 (hg19) VCF-style: chr11-64573695-G-C.
Other names: c.1064+9C>G (NM_130804.3, NM_130803.3, NM_000244.4 and 3 more transcripts); c.1049+9C>G (NM_130799.3, NM_001370260.2, NM_001370251.2 and 1 more transcripts); c.944+9C>G (NM_001370263.2, NM_001370262.2).
Identifiers: ClinVar variation 457275 (VCV000457275.11), dbSNP rs200517349, ClinGen allele CA223914371.

ClinVar aggregate classification (germline): Likely benign. Review status: criteria provided, multiple submitters, no conflicts (2 of 4 stars). 2 submissions from 2 submitters: Likely benign (2). Last evaluated 2024-12-12.

Conditions:
Multiple endocrine neoplasia, type 1 (MEN1). Also called: MEN I; WERMER SYNDROME; Endocrine adenomatosis multiple; MEN 1; MEA I. Identifiers: Orphanet 652, MedGen C0025267, MeSH D018761, MONDO:0007540, OMIM 131100.

Allele frequency attached by ClinVar (database versions not stated): TOPMed 0.00001.
gnomAD v4.1: 5 of 1,614,060 alleles (0.00031%); highest among the groups gnomAD compares: Non-Finnish European, 0.00034%; no homozygotes.

Submissions (2):

Labcorp Genetics (formerly Invitae), Labcorp
Classification: Likely benign for Multiple endocrine neoplasia, type 1. Last evaluated: 2024-12-12. Review status: criteria provided, single submitter. Criteria: Invitae Variant Classification Sherloc (09022015). Collection method: clinical testing. Allele origin: germline.

Myriad Genetics, Inc.
Classification: Likely benign for Multiple endocrine neoplasia, type 1. Last evaluated: 2024-11-04. Review status: criteria provided, single submitter. Criteria: Myriad Autosomal Dominant, Autosomal Recessive and X-Linked Classification Criteria (2023). Collection method: clinical testing. Allele origin: unknown.
Comment: This variant is considered likely benign. This variant is intronic and is not expected to impact mRNA splicing.